The following is an entry in ClinVar:

ClinVar aggregate classification (germline): Uncertain significance (1 of 4 stars; one submission).

Conditions:
Cardiomyopathy (CMYO). Also called: Cardiomyopathies. Identifiers: Orphanet 167848, MedGen C0878544, MONDO:0004994, HP:0001638. Inheritance: Various modes of inheritance.

Submission:

Color Diagnostics, LLC DBA Color Health
Classification: Uncertain significance for Cardiomyopathy. Last evaluated: 2025-06-30. Review status: criteria provided, single submitter. Criteria: ACMG Guidelines, 2015. Collection method: clinical testing. Allele origin: germline.
Comment: This variant is located in the 5' untranslated region of the MYL3 gene. To our knowledge, functional studies have not been reported for this variant. This variant has not been reported in individuals affected with MYL3-related disorders in the literature. This variant has not been identified in the general population by the Genome Aggregation Database (gnomAD). The available evidence is insufficient to determine the role of this variant in disease conclusively. Therefore, this variant is classified as a Variant of Uncertain Significance.

NM_000258.3(MYL3):c.-4C>T

Gene: MYL3 (myosin light chain 3; minus strand). Cytogenetic location: 3p21.31.
Variant type: single nucleotide variant.
Coding change: c.-4C>T on transcript NM_000258.3 (MANE Select); 4 bases upstream of the start codon, C replaced by T.
Molecular consequence: 5 prime UTR variant.
Genome position (GRCh38, 1-based): chr3:46,863,394, G>A on the plus strand (C>T on the coding strand, the complement: MYL3 is on the minus strand). VCF-style: chr3-46863394-G-A. GRCh37 (hg19) VCF-style: chr3-46904884-G-A.
Other names: c.-4C>T (NM_001406937.1, NM_001406938.1, NM_001406939.1).
Identifiers: ClinVar variation 4757493 (VCV004757493.1).